The following is an entry in ClinVar:

NM_005045.4(RELN):c.7664G>C (p.Ser2555Thr)

Gene: RELN (reelin; minus strand). Cytogenetic location: 7q22.1.
Variant type: single nucleotide variant.
Coding change: c.7664G>C on transcript NM_005045.4 (MANE Select); coding-DNA position 7664, G replaced by C.
Protein change: p.Ser2555Thr; replaces serine 2555 with threonine.
Molecular consequence: missense variant.
Genome position (GRCh38, 1-based): chr7:103,522,026, C>G on the plus strand (G>C on the coding strand, the complement: RELN is on the minus strand). VCF-style: chr7-103522026-C-G. GRCh37 (hg19) VCF-style: chr7-103162473-C-G.
Other names: c.7664G>C, p.Ser2555Thr (NM_173054.3); short protein forms S2555T.
Identifiers: ClinVar variation 4782601 (VCV004782601.1).
Genomic context (GRCh38, chr7:103,522,026, plus strand): 5'-TATTTGGAAGGAACTTAAGAAGAGCAGAAATGAGTAACCAGCAGCCAAACACTCACCCCA[C>G]TGAAATGGAGAGCCATTCCCGACGCCACGGCTCCACACACTGTACTCAATTTCCCTCCGT-3'
Protein context (NP_005036.2, residues 2545-2565): AVASGMALHF[Ser2555Thr]GGCSRLLVTV

ClinVar aggregate classification (germline): Uncertain significance (1 of 4 stars; one submission).

Conditions:
Norman-Roberts syndrome (LIS2). Also called: Lissencephaly 2 (Norman-Roberts type). Identifiers: Orphanet 89844, MedGen C0796089, MONDO:0009760, OMIM 257320.
Familial temporal lobe epilepsy 7. Identifiers: Orphanet 101046, MedGen C4225327, MONDO:0014639, OMIM 616436.

Submission:

Labcorp Genetics (formerly Invitae), Labcorp
Classification: Uncertain significance for Familial temporal lobe epilepsy 7; Norman-Roberts syndrome. Last evaluated: 2025-08-08. Review status: criteria provided, single submitter. Criteria: Invitae Variant Classification Sherloc (09022015). Collection method: clinical testing. Allele origin: germline.
Comment: This sequence change replaces serine, which is neutral and polar, with threonine, which is neutral and polar, at codon 2555 of the RELN protein (p.Ser2555Thr). This variant is not present in population databases (gnomAD no frequency). This variant has not been reported in the literature in individuals affected with RELN-related conditions. Invitae Evidence Modeling of protein sequence and biophysical properties (such as structural, functional, and spatial information, amino acid conservation, physicochemical variation, residue mobility, and thermodynamic stability) indicates that this missense variant is not expected to disrupt RELN protein function with a negative predictive value of 80%. In summary, the available evidence is currently insufficient to determine the role of this variant in disease. Therefore, it has been classified as a Variant of Uncertain Significance.